The following is an entry in ClinVar:

ClinVar aggregate classification (germline): Uncertain significance. Review status: criteria provided, multiple submitters, no conflicts (2 of 4 stars). 2 submissions from 2 submitters: Uncertain significance (2). Last evaluated 2026-05-20.

Conditions:
RYR1-related disorder. Also called: RYR1-related disorders; RYR1-related condition. Identifiers: MedGen CN239331.
Inborn genetic diseases. Identifiers: MedGen C0950123, MeSH D030342.

gnomAD v4.1: 1 of 1,612,136 alleles (0.000062%); no homozygotes.

Submissions (2):

Ambry Genetics
Classification: Uncertain significance for Inborn genetic diseases. Last evaluated: 2026-05-20. Review status: criteria provided, single submitter. Criteria: Ambry Variant Classification Scheme 2023. Collection method: clinical testing. Allele origin: germline.

Labcorp Genetics (formerly Invitae), Labcorp
Classification: Uncertain significance for RYR1-related disorder. Last evaluated: 2021-11-26. Review status: criteria provided, single submitter. Criteria: Invitae Variant Classification Sherloc (09022015). Collection method: clinical testing. Allele origin: germline.
Comment: In summary, the available evidence is currently insufficient to determine the role of this variant in disease. Therefore, it has been classified as a Variant of Uncertain Significance. Advanced modeling of protein sequence and biophysical properties (such as structural, functional, and spatial information, amino acid conservation, physicochemical variation, residue mobility, and thermodynamic stability) performed at Invitae indicates that this missense variant is not expected to disrupt RYR1 protein function. This variant has not been reported in the literature in individuals affected with RYR1-related conditions. This variant is not present in population databases (gnomAD no frequency). This sequence change replaces valine, which is neutral and non-polar, with alanine, which is neutral and non-polar, at codon 3438 of the RYR1 protein (p.Val3438Ala).

NM_000540.3(RYR1):c.10313T>C (p.Val3438Ala)

Gene: RYR1 (ryanodine receptor 1; plus strand). Cytogenetic location: 19q13.2.
Variant type: single nucleotide variant.
Coding change: c.10313T>C on transcript NM_000540.3 (MANE Select); coding-DNA position 10313, T replaced by C.
Protein change: p.Val3438Ala; replaces valine 3438 with alanine.
Molecular consequence: missense variant.
Genome position (GRCh38, 1-based): chr19:38,523,081, T>C. VCF-style: chr19-38523081-T-C. GRCh37 (hg19) VCF-style: chr19-39013721-T-C.
Other names: c.10313T>C, p.Val3438Ala (NM_001042723.2); c.10313T>C (NM_000540.2); short protein forms V3438A.
Identifiers: ClinVar variation 1352707 (VCV001352707.7), dbSNP rs2145702520, ClinGen allele CA405698836.